The following is an entry in ClinVar:

ClinVar aggregate classification (germline): Uncertain significance (1 of 4 stars; one submission).

Allele frequency attached by ClinVar (database versions not stated): gnomAD exomes below 0.00001.

Submission:

Labcorp Genetics (formerly Invitae), Labcorp
Classification: Uncertain significance. Last evaluated: 2023-01-10. Review status: criteria provided, single submitter. Criteria: Invitae Variant Classification Sherloc (09022015). Collection method: clinical testing. Allele origin: germline.
Comment: This variant is not present in population databases (gnomAD no frequency). This sequence change replaces leucine, which is neutral and non-polar, with proline, which is neutral and non-polar, at codon 97 of the DRP2 protein (p.Leu97Pro). This variant has not been reported in the literature in individuals affected with DRP2-related conditions. In summary, the available evidence is currently insufficient to determine the role of this variant in disease. Therefore, it has been classified as a Variant of Uncertain Significance. Advanced modeling of protein sequence and biophysical properties (such as structural, functional, and spatial information, amino acid conservation, physicochemical variation, residue mobility, and thermodynamic stability) has been performed at Invitae for this missense variant, however the output from this modeling did not meet the statistical confidence thresholds required to predict the impact of this variant on DRP2 protein function.

NM_001939.3(DRP2):c.290T>C (p.Leu97Pro)

Gene: DRP2 (dystrophin related protein 2; plus strand). Cytogenetic location: Xq22.1.
Variant type: single nucleotide variant.
Coding change: c.290T>C on transcript NM_001939.3 (MANE Select); coding-DNA position 290, T replaced by C.
Protein change: p.Leu97Pro; replaces leucine 97 with proline.
Molecular consequence: missense variant.
Genome position (GRCh38, 1-based): chrX:101,237,627, T>C. VCF-style: chrX-101237627-T-C. GRCh37 (hg19) VCF-style: chrX-100492616-T-C.
Other names: c.56T>C, p.Leu19Pro (NM_001171184.2); short protein forms L19P, L97P.
Identifiers: ClinVar variation 2827384 (VCV002827384.3), dbSNP rs2523061717, ClinGen allele CA413911846.